The following is an entry in ClinVar:

NM_001256715.2(DNAAF3):c.704A>C (p.Asp235Ala)

Genes: DNAAF3 (dynein axonemal assembly factor 3; minus strand), DNAAF3-AS1 (DNAAF3 antisense RNA 1; plus strand). Cytogenetic location: 19q13.42.
Variant type: single nucleotide variant.
Coding change: c.704A>C on transcript NM_001256715.2 (MANE Select); coding-DNA position 704, A replaced by C.
Protein change: p.Asp235Ala; replaces aspartic acid 235 with alanine.
Molecular consequence: missense variant.
Genome position (GRCh38, 1-based): chr19:55,161,378, T>G on the plus strand (A>C on the coding strand, the complement: DNAAF3 is on the minus strand). VCF-style: chr19-55161378-T-G. GRCh37 (hg19) VCF-style: chr19-55672746-T-G.
Other names: c.908A>C, p.Asp303Ala (NM_001256714.1); c.542A>C, p.Asp181Ala (NM_001256716.2); c.845A>C, p.Asp282Ala (NM_178837.4); short protein forms D282A, D235A, D181A, D303A.
Identifiers: ClinVar variation 1994046 (VCV001994046.4), dbSNP rs1025793670, ClinGen allele CA310153716.

ClinVar aggregate classification (germline): Uncertain significance (1 of 4 stars; one submission).

Conditions:
Primary ciliary dyskinesia. Also called: Ciliary dyskinesia. Identifiers: Orphanet 244, MedGen C0008780, MONDO:0016575, HP:0012265.

Submission:

Labcorp Genetics (formerly Invitae), Labcorp
Classification: Uncertain significance for Primary ciliary dyskinesia. Last evaluated: 2022-05-13. Review status: criteria provided, single submitter. Criteria: Invitae Variant Classification Sherloc (09022015). Collection method: clinical testing. Allele origin: germline.
Comment: In summary, the available evidence is currently insufficient to determine the role of this variant in disease. Therefore, it has been classified as a Variant of Uncertain Significance. Algorithms developed to predict the effect of missense changes on protein structure and function are either unavailable or do not agree on the potential impact of this missense change (SIFT: "Deleterious"; PolyPhen-2: "Possibly Damaging"; Align-GVGD: "Class C0"). This variant has not been reported in the literature in individuals affected with DNAAF3-related conditions. This variant is not present in population databases (gnomAD no frequency). This sequence change replaces aspartic acid, which is acidic and polar, with alanine, which is neutral and non-polar, at codon 303 of the DNAAF3 protein (p.Asp303Ala).